The following is an entry in ClinVar:

ClinVar aggregate classification (germline): Uncertain significance. Review status: criteria provided, multiple submitters, no conflicts (2 of 4 stars). 2 submissions from 2 submitters: Uncertain significance (2). Last evaluated 2025-05-27.

Conditions:
Hereditary cancer-predisposing syndrome. Also called: Neoplastic Syndromes, Hereditary; Hereditary Cancer Syndrome; Tumor predisposition; Hereditary neoplastic syndrome. Identifiers: Orphanet 140162, MedGen C0027672, MeSH D009386, MONDO:0015356.
Oligodontia-cancer predisposition syndrome. Also called: TOOTH AGENESIS-COLORECTAL CANCER SYNDROME. Identifiers: Orphanet 300576, MedGen C1837750, MONDO:0012075, OMIM 608615. Disease mechanism: loss of function.

Allele frequency attached by ClinVar (database versions not stated): gnomAD exomes below 0.00001; ExAC 0.00001.
gnomAD v4.1: 3 of 1,613,782 alleles (0.00019%); highest among the groups gnomAD compares: South Asian, 0.0022%; no homozygotes.

Submissions (2):

Ambry Genetics
Classification: Uncertain significance for Hereditary cancer-predisposing syndrome. Last evaluated: 2025-05-27. Review status: criteria provided, single submitter. Criteria: Ambry Variant Classification Scheme 2023. Collection method: clinical testing. Allele origin: germline.
Comment: The p.G665D variant (also known as c.1994G>A), located in coding exon 7 of the AXIN2 gene, results from a G to A substitution at nucleotide position 1994. The glycine at codon 665 is replaced by aspartic acid, an amino acid with similar properties. This amino acid position is not well conserved in available vertebrate species. In addition, this alteration is predicted to be tolerated by in silico analysis. Since supporting evidence is limited at this time, the clinical significance of this alteration remains unclear.

Labcorp Genetics (formerly Invitae), Labcorp
Classification: Uncertain significance for Oligodontia-cancer predisposition syndrome. Last evaluated: 2024-09-04. Review status: criteria provided, single submitter. Criteria: Invitae Variant Classification Sherloc (09022015). Collection method: clinical testing. Allele origin: germline.
Comment: This sequence change replaces glycine, which is neutral and non-polar, with aspartic acid, which is acidic and polar, at codon 665 of the AXIN2 protein (p.Gly665Asp). The frequency data for this variant in the population databases is considered unreliable, as metrics indicate poor data quality at this position in the gnomAD database. This variant has not been reported in the literature in individuals affected with AXIN2-related conditions. ClinVar contains an entry for this variant (Variation ID: 945684). Invitae Evidence Modeling of protein sequence and biophysical properties (such as structural, functional, and spatial information, amino acid conservation, physicochemical variation, residue mobility, and thermodynamic stability) indicates that this missense variant is not expected to disrupt AXIN2 protein function with a negative predictive value of 80%. In summary, the available evidence is currently insufficient to determine the role of this variant in disease. Therefore, it has been classified as a Variant of Uncertain Significance.

NM_004655.4(AXIN2):c.1994G>A (p.Gly665Asp)

Gene: AXIN2 (axin 2; minus strand). Cytogenetic location: 17q24.1.
Variant type: single nucleotide variant.
Coding change: c.1994G>A on transcript NM_004655.4 (MANE Select); coding-DNA position 1994, G replaced by A.
Protein change: p.Gly665Asp; replaces glycine 665 with aspartic acid.
Molecular consequence: missense variant.
Genome position (GRCh38, 1-based): chr17:65,536,467, C>T on the plus strand (G>A on the coding strand, the complement: AXIN2 is on the minus strand). VCF-style: chr17-65536467-C-T. GRCh37 (hg19) VCF-style: chr17-63532585-C-T.
Other names: c.1799G>A, p.Gly600Asp (NM_001363813.1); short protein forms G600D, G665D.
Identifiers: ClinVar variation 945684 (VCV000945684.13), dbSNP rs772202125, ClinGen allele CA8718440.